The following is an entry in ClinVar:

NM_001356.5(DDX3X):c.444-5T>G

Gene: DDX3X (DEAD-box helicase 3 X-linked; plus strand). Cytogenetic location: Xp11.4.
Variant type: single nucleotide variant.
Coding change: c.444-5T>G on transcript NM_001356.5 (MANE Select); 5 bases into the intron before coding-DNA position 444, T replaced by G.
Molecular consequence: intron variant.
Genome position (GRCh38, 1-based): chrX:41,342,732, T>G. VCF-style: chrX-41342732-T-G. GRCh37 (hg19) VCF-style: chrX-41201985-T-G.
Other names: c.444-5T>G (NM_001193416.3); c.396-5T>G (NM_001193417.3); c.-115-5T>G (NM_001363819.1).
Identifiers: ClinVar variation 3339447 (VCV003339447.1).

ClinVar aggregate classification (germline): Uncertain significance (1 of 4 stars; one submission).

Submission:

Women's Health and Genetics/Laboratory Corporation of America, LabCorp
Classification: Uncertain significance. Last evaluated: 2024-07-18. Review status: criteria provided, single submitter. Criteria: LabCorp Variant Classification Summary - May 2015. Collection method: clinical testing. Allele origin: germline.
Comment: Variant summary: DDX3X c.444-5T>G alters a conserved nucleotide located close to a canonical splice site and therefore could affect mRNA splicing, leading to a significantly altered protein sequence. Consensus agreement among computation tools predict no significant impact on normal splicing. However, these predictions have yet to be confirmed by functional studies. The variant was absent in 181925 control chromosomes. The available data on variant occurrences in the general population are insufficient to allow any conclusion about variant significance. To our knowledge, no occurrence of c.444-5T>G in individuals affected with X-Linked Intellectual Disability 102 and no experimental evidence demonstrating its impact on protein function have been reported. No submitters have cited clinical-significance assessments for this variant to ClinVar. Based on the evidence outlined above, the variant was classified as uncertain significance.